The following is an entry in ClinVar:

NM_176810.2(NLRP13):c.3104C>T (p.Ser1035Leu)

Gene: NLRP13 (NLR family pyrin domain containing 13; minus strand). Cytogenetic location: 19q13.43.
Variant type: single nucleotide variant.
Coding change: c.3104C>T on transcript NM_176810.2 (MANE Select); coding-DNA position 3104, C replaced by T.
Protein change: p.Ser1035Leu; replaces serine 1035 with leucine.
Molecular consequence: missense variant. On other transcripts: intron variant (1).
Genome position (GRCh38, 1-based): chr19:55,895,973, G>A on the plus strand (C>T on the coding strand, the complement: NLRP13 is on the minus strand). VCF-style: chr19-55895973-G-A. GRCh37 (hg19) VCF-style: chr19-56407339-G-A.
Other names: c.3085+19C>T (NM_001321057.1); short protein forms S1035L.
Identifiers: ClinVar variation 103316 (VCV000103316.2), dbSNP rs199475879, ClinGen allele CA230406.

ClinVar aggregate classification (germline): not provided (0 of 4 stars; one submission).

Allele frequency attached by ClinVar (database versions not stated): gnomAD exomes below 0.00001; TOPMed below 0.00001; ExAC 0.00001; gnomAD 0.00001.
gnomAD v4.1: 5 of 1,613,924 alleles (0.00031%); highest among the groups gnomAD compares: South Asian, 0.0011%; no homozygotes.

Submission:

Human Evolutionary Genetics, Institut Pasteur
No classification provided. Review status: no classification provided. Collection method: not provided. Allele origin: germline.
ClinVar note: Converted during submission from untested to not provided.